The following is an entry in ClinVar:

ClinVar aggregate classification (germline): Benign (0 of 4 stars; one submission).

Conditions:
Bardet-Biedl syndrome (BBS). Identifiers: Orphanet 110, MedGen C0752166, MONDO:0015229.

Allele frequency attached by ClinVar (database versions not stated): TOPMed below 0.00001; gnomAD exomes 0.00001.
gnomAD v4.1: 9 of 1,565,582 alleles (0.00057%); highest among the groups gnomAD compares: African/African-American, 0.0014%; no homozygotes.

Submission:

GeneReviews
Classification: Benign for Bardet-Biedl Syndrome. Last evaluated: 2009-10-13. Review status: no assertion criteria provided. Collection method: curation. Allele origin: unknown.
ClinVar note: Converted during submission from benign to Benign.

NM_033028.5(BBS4):c.18C>T (p.Val6=)

Gene: BBS4 (Bardet-Biedl syndrome 4; plus strand). Cytogenetic location: 15q24.1.
Variant type: single nucleotide variant.
Coding change: c.18C>T on transcript NM_033028.5 (MANE Select); coding-DNA position 18, C replaced by T.
Protein change: p.Val6=; no amino-acid change (valine 6 retained).
Molecular consequence: synonymous variant. On other transcripts: 5 prime UTR variant (1), non-coding transcript variant (2).
Genome position (GRCh38, 1-based): chr15:72,686,245, C>T. VCF-style: chr15-72686245-C-T. GRCh37 (hg19) VCF-style: chr15-72978586-C-T.
Other names: c.18C/T; c.-452C>T (NM_001252678.2); c.18C>T, p.Val6= (NM_001320665.2).
Identifiers: ClinVar variation 21737 (VCV000021737.3), dbSNP rs113994187, ClinGen allele CA342430.
Genomic context (GRCh38, chr15:72,686,245, plus strand): 5'-GAAACCGCCGACTTCCGGCCGCGCAGCGGTGGGCTGAGCTAAAATGGCTGAGGAGAGAGT[C>T]GCGACGGTGAGCGCCGAGATTCTCTTTAGTTGCCCGGCCGCAGGGCAAGGCAAGCTGGCG-3'
Protein context (NP_149017.2, residues 1-16): MAEER[Val6=]ATRTQFPVST